The following is an entry in ClinVar:

ClinVar aggregate classification (germline): Uncertain significance (1 of 4 stars; one submission).

Allele frequency attached by ClinVar (database versions not stated): gnomAD exomes below 0.00001.
gnomAD v4.1: 4 of 1,611,130 alleles (0.00025%); highest among the groups gnomAD compares: Non-Finnish European, 0.00034%; no homozygotes.

Submission:

GeneDx
Classification: Uncertain significance. Last evaluated: 2019-08-28. Review status: criteria provided, single submitter. Criteria: GeneDx Variant Classification Process June 2021. Collection method: clinical testing. Allele origin: germline. Affected: yes.
Comment: Has not been previously published as pathogenic or benign to our knowledge; Not observed in large population cohorts (Lek et al., 2016); In silico analysis, which includes protein predictors and evolutionary conservation, supports a deleterious effect

NM_005739.4(RASGRP1):c.1021C>T (p.Arg341Trp)

Gene: RASGRP1 (RAS guanyl releasing protein 1; minus strand). Cytogenetic location: 15q14.
Variant type: single nucleotide variant.
Coding change: c.1021C>T on transcript NM_005739.4 (MANE Select); coding-DNA position 1021, C replaced by T.
Protein change: p.Arg341Trp; replaces arginine 341 with tryptophan.
Molecular consequence: missense variant.
Genome position (GRCh38, 1-based): chr15:38,507,947, G>A on the plus strand (C>T on the coding strand, the complement: RASGRP1 is on the minus strand). VCF-style: chr15-38507947-G-A. GRCh37 (hg19) VCF-style: chr15-38800148-G-A.
Other names: c.1021C>T, p.Arg341Trp (NM_001128602.2, NM_001306086.2); short protein forms R341W.
Identifiers: ClinVar variation 1308029 (VCV001308029.2), dbSNP rs751332702, ClinGen allele CA391666608.